The following is an entry in ClinVar:

ClinVar aggregate classification (germline): Uncertain significance (1 of 4 stars; one submission).

gnomAD v4.1: 2 of 1,606,996 alleles (0.00012%); highest among the groups gnomAD compares: Non-Finnish European, 0.00017%; no homozygotes.

Submission:

GeneDx
Classification: Uncertain significance. Last evaluated: 2025-01-03. Review status: criteria provided, single submitter. Criteria: GeneDx Variant Classification Process June 2021. Collection method: clinical testing. Allele origin: germline. Affected: yes.
Comment: Not observed at significant frequency in large population cohorts (gnomAD); In silico analysis supports that this missense variant has a deleterious effect on protein structure/function; Has not been previously published as pathogenic or benign to our knowledge

NM_002979.5(SCP2):c.109G>A (p.Asp37Asn)

Gene: SCP2 (sterol carrier protein 2; plus strand). Cytogenetic location: 1p32.3.
Variant type: single nucleotide variant.
Coding change: c.109G>A on transcript NM_002979.5 (MANE Select); coding-DNA position 109, G replaced by A.
Protein change: p.Asp37Asn; replaces aspartic acid 37 with asparagine.
Molecular consequence: missense variant. On other transcripts: intron variant (1).
Genome position (GRCh38, 1-based): chr1:52,941,835, G>A. VCF-style: chr1-52941835-G-A. GRCh37 (hg19) VCF-style: chr1-53407507-G-A.
Other names: c.109G>A, p.Asp37Asn (NM_001007098.3, NM_001193599.2, NM_001193600.2 and 1 more transcripts); c.-116-6174G>A (NM_001193617.2); short protein forms D37N.
Identifiers: ClinVar variation 4055846 (VCV004055846.1).